The following is an entry in ClinVar:

ClinVar aggregate classification (germline): Uncertain significance (1 of 4 stars; one submission).

Conditions:
Autosomal dominant childhood-onset proximal spinal muscular atrophy without contractures. Also called: KUGELBERG-WELANDER SYNDROME, AUTOSOMAL DOMINANT; SPINAL MUSCULAR ATROPHY, JUVENILE, PROXIMAL, AUTOSOMAL DOMINANT; SPINAL MUSCULAR ATROPHY, CHILDHOOD, PROXIMAL, AUTOSOMAL DOMINANT; Spinal muscular atrophy, lower extremity-predominant 1, AD. Identifiers: Orphanet 209341, Orphanet 363447, MedGen C5780022, MONDO:0008026, OMIM 158600.

Submission:

Clinical Genetics Laboratory, University Hospital Schleswig-Holstein
Classification: Uncertain significance for Autosomal dominant childhood-onset proximal spinal muscular atrophy without contractures. Last evaluated: 2025-05-30. Review status: criteria provided, single submitter. Criteria: ACMG Guidelines, 2015. Collection method: clinical testing. Allele origin: germline. Affected: yes. Observed: 1 heterozygote.
Comment: ACMG criteria applied: PM2, PP2, PP3

NM_001376.5(DYNC1H1):c.4292T>C (p.Leu1431Pro)

Gene: DYNC1H1 (dynein cytoplasmic 1 heavy chain 1; plus strand). Cytogenetic location: 14q32.31.
Variant type: single nucleotide variant.
Coding change: c.4292T>C on transcript NM_001376.5 (MANE Select); coding-DNA position 4292, T replaced by C.
Protein change: p.Leu1431Pro; replaces leucine 1431 with proline.
Molecular consequence: missense variant.
Genome position (GRCh38, 1-based): chr14:102,001,251, T>C. VCF-style: chr14-102001251-T-C. GRCh37 (hg19) VCF-style: chr14-102467588-T-C.
Other names: short protein forms L1431P.
Identifiers: ClinVar variation 5042047 (VCV005042047.1).